The following is an entry in ClinVar:

ClinVar aggregate classification (germline): Conflicting classifications of pathogenicity. Review status: criteria provided, conflicting classifications (1 of 4 stars). 2 submissions from 2 submitters: Uncertain significance (1); Likely benign (1). Last evaluated 2026-02-09.

Conditions:
Mitochondrial complex II deficiency, nuclear type 1. Also called: SUCCINATE CoQ REDUCTASE DEFICIENCY. Identifiers: Orphanet 3208, MedGen C5700310, MONDO:0100294, OMIM 252011.
Pheochromocytoma/paraganglioma syndrome 5. Also called: Paragangliomas 5; SDHA-Related Hereditary Paraganglioma-Pheochromocytoma Syndrome. Identifiers: Orphanet 29072, MedGen C3279992, MONDO:0013602, OMIM 614165.
Hereditary cancer-predisposing syndrome. Also called: Tumor predisposition; Hereditary Cancer Syndrome; Hereditary neoplastic syndrome; Neoplastic Syndromes, Hereditary. Identifiers: Orphanet 140162, MedGen C0027672, MeSH D009386, MONDO:0015356.

Submissions (2):

Ambry Genetics
Classification: Likely benign for Hereditary cancer-predisposing syndrome. Last evaluated: 2026-02-09. Review status: criteria provided, single submitter. Criteria: Ambry Variant Classification Scheme 2023. Collection method: clinical testing. Allele origin: germline.

Labcorp Genetics (formerly Invitae), Labcorp
Classification: Uncertain significance for Pheochromocytoma/paraganglioma syndrome 5; Mitochondrial complex II deficiency, nuclear type 1. Last evaluated: 2021-12-23. Review status: criteria provided, single submitter. Criteria: Invitae Variant Classification Sherloc (09022015). Collection method: clinical testing. Allele origin: germline.
Comment: In summary, the available evidence is currently insufficient to determine the role of this variant in disease. Therefore, it has been classified as a Variant of Uncertain Significance. Algorithms developed to predict the effect of missense changes on protein structure and function output the following: SIFT: "Tolerated"; PolyPhen-2: "Benign"; Align-GVGD: "Class C0". The threonine amino acid residue is found in multiple mammalian species, which suggests that this missense change does not adversely affect protein function. This sequence change replaces serine, which is neutral and polar, with threonine, which is neutral and polar, at codon 518 of the SDHA protein (p.Ser518Thr). This variant is not present in population databases (gnomAD no frequency). This variant has not been reported in the literature in individuals affected with SDHA-related conditions.

NM_004168.4(SDHA):c.1552T>A (p.Ser518Thr)

Gene: SDHA (succinate dehydrogenase complex flavoprotein subunit A; plus strand). Cytogenetic location: 5p15.33.
Variant type: single nucleotide variant.
Coding change: c.1552T>A on transcript NM_004168.4 (MANE Select); coding-DNA position 1552, T replaced by A.
Protein change: p.Ser518Thr; replaces serine 518 with threonine.
Molecular consequence: missense variant. On other transcripts: intron variant (1).
Genome position (GRCh38, 1-based): chr5:250,992, T>A. VCF-style: chr5-250992-T-A. GRCh37 (hg19) VCF-style: chr5-251107-T-A.
Other names: c.1408T>A, p.Ser470Thr (NM_001294332.2); c.1552-3401T>A (NM_001330758.2); c.1552T>A (NM_004168.2); short protein forms S470T, S518T.
Identifiers: ClinVar variation 1948240 (VCV001948240.6), dbSNP rs2126631929, ClinGen allele CA358998403.